The following is an entry in ClinVar:

ClinVar aggregate classification (germline): Pathogenic (1 of 4 stars; one submission).

Conditions:
Myofibrillar myopathy 5. Also called: FILAMINOPATHY, AUTOSOMAL DOMINANT; Filaminopathy (type). Identifiers: Orphanet 171445, MedGen C1836050, MONDO:0012289, OMIM 609524.
Hypertrophic cardiomyopathy 26. Also called: Cardiomyopathy, familial hypertrophic, 26. Identifiers: Orphanet 75249, MedGen C4310749, MONDO:0014883, OMIM 617047.
Distal myopathy with posterior leg and anterior hand involvement. Also called: WILLIAMS DISTAL MYOPATHY. Identifiers: Orphanet 63273, MedGen C3279722, MONDO:0013550, OMIM 614065.

Submission:

Labcorp Genetics (formerly Invitae), Labcorp
Classification: Pathogenic for Distal myopathy with posterior leg and anterior hand involvement; Myofibrillar myopathy 5; Hypertrophic cardiomyopathy 26. Last evaluated: 2024-01-21. Review status: criteria provided, single submitter. Criteria: Invitae Variant Classification Sherloc (09022015). Collection method: clinical testing. Allele origin: germline.
Comment: This sequence change creates a premature translational stop signal (p.Met2250Argfs*2) in the FLNC gene. It is expected to result in an absent or disrupted protein product. Loss-of-function variants in FLNC are known to be pathogenic (PMID: 27908349). This variant is not present in population databases (gnomAD no frequency). This variant has not been reported in the literature in individuals affected with FLNC-related conditions. For these reasons, this variant has been classified as Pathogenic.

Literature cited by the submitters: PubMed 27908349.

NM_001458.5(FLNC):c.6749_6758del (p.Met2250fs)

Genes: FLNC-AS1 (FLNC antisense RNA 1; minus strand), FLNC (filamin C; plus strand). Cytogenetic location: 7q32.1.
Variant type: Deletion.
Coding change: c.6749_6758del on transcript NM_001458.5 (MANE Select); coding-DNA positions 6749 to 6758, 10 bases deleted (TGACTGCACA; older notation c.6749_6758delTGACTGCACA).
Protein change: p.Met2250fs; shifts the reading frame from methionine 2250.
Molecular consequence: frameshift variant.
Genome position (GRCh38, 1-based): chr7:128,854,434-128,854,443, TGACTGCACA deleted; deleting any 10 consecutive bases within chr7:128,854,431-128,854,443 gives the same sequence; the c. name uses the placement nearest the transcript's 3' end. VCF-style (leftmost placement, unchanged base first): chr7-128854430-GACATGACTGC-G. GRCh37 (hg19) VCF-style: chr7-128494484-GACATGACTGC-G.
Other names: c.6650_6659del, p.Met2217fs (NM_001127487.2); short protein forms M2217fs, M2250fs.
Identifiers: ClinVar variation 2922346 (VCV002922346.3), dbSNP rs2536664725, ClinGen allele CA2740094874.